The following is an entry in ClinVar:

ClinVar aggregate classification (germline): Uncertain significance (1 of 4 stars; one submission).

Conditions:
Ataxia-telangiectasia syndrome (AT). Also called: LOUIS-BAR SYNDROME; Cerebello-oculocutaneous telangiectasia; Immunodeficiency with ataxia telangiectasia; ATAXIA-TELANGIECTASIA, COMPLEMENTATION GROUP A; ATAXIA-TELANGIECTASIA, FRESNO VARIANT; Ataxia-telangiectasia, complementation group D. Identifiers: Orphanet 100, MedGen C0004135, MONDO:0008840, OMIM 208900.

Submission:

Labcorp Genetics (formerly Invitae), Labcorp
Classification: Uncertain significance for Ataxia-telangiectasia syndrome. Last evaluated: 2024-06-15. Review status: criteria provided, single submitter. Criteria: Invitae Variant Classification Sherloc (09022015). Collection method: clinical testing. Allele origin: germline.
Comment: This sequence change replaces threonine, which is neutral and polar, with lysine, which is basic and polar, at codon 1504 of the ATM protein (p.Thr1504Lys). This variant is not present in population databases (gnomAD no frequency). This variant has not been reported in the literature in individuals affected with ATM-related conditions. An algorithm developed to predict the effect of missense changes on protein structure and function (PolyPhen-2) suggests that this variant is likely to be tolerated. In summary, the available evidence is currently insufficient to determine the role of this variant in disease. Therefore, it has been classified as a Variant of Uncertain Significance.

NM_000051.4(ATM):c.4511C>A (p.Thr1504Lys)

Gene: ATM (ATM serine/threonine kinase; plus strand). Cytogenetic location: 11q22.3.
Variant type: single nucleotide variant.
Coding change: c.4511C>A on transcript NM_000051.4 (MANE Select); coding-DNA position 4511, C replaced by A.
Protein change: p.Thr1504Lys; replaces threonine 1504 with lysine.
Molecular consequence: missense variant.
Genome position (GRCh38, 1-based): chr11:108,292,693, C>A. VCF-style: chr11-108292693-C-A. GRCh37 (hg19) VCF-style: chr11-108163420-C-A.
Other names: c.4511C>A, p.Thr1504Lys (NM_001351834.2); short protein forms T1504K.
Identifiers: ClinVar variation 3656684 (VCV003656684.2).
Genomic context (GRCh38, chr11:108,292,693, plus strand): 5'-TGGATGTGTCATTACGTAGCTTCTCCCTTTGTTGTGACTTATTAAGTCAGGTTTGCCAGA[C>A]AGCCGTGACTTACTGTAAGGATGCTCTAGAAAACCATCTTCATGTTATTGTTGGTACACT-3'
Protein context (NP_000042.3, residues 1494-1514): CCDLLSQVCQ[Thr1504Lys]AVTYCKDALE